The following is an entry in ClinVar:

NM_020975.6(RET):c.3148C>T (p.Arg1050Ter)

Gene: RET (ret proto-oncogene; plus strand). Cytogenetic location: 10q11.21.
Variant type: single nucleotide variant.
Coding change: c.3148C>T on transcript NM_020975.6 (MANE Select); coding-DNA position 3148, C replaced by T.
Protein change: p.Arg1050Ter; replaces arginine 1050 with a stop codon.
Molecular consequence: nonsense.
Genome position (GRCh38, 1-based): chr10:43,126,683, C>T. VCF-style: chr10-43126683-C-T. GRCh37 (hg19) VCF-style: chr10-43622131-C-T.
Other names: c.3148C>T, p.Arg1050Ter (NM_000323.2, NM_001406743.1, NM_001406744.1 and 2 more transcripts); c.2386C>T, p.Arg796Ter (NM_001355216.2); c.3019C>T, p.Arg1007Ter (NM_001406761.1, NM_001406762.1, NM_001406764.1); c.3013C>T, p.Arg1005Ter (NM_001406763.1, NM_001406765.1); c.2860C>T, p.Arg954Ter (NM_001406766.1, NM_001406767.1, NM_001406770.1); c.2884C>T, p.Arg962Ter (NM_001406768.1); c.2752C>T, p.Arg918Ter (NM_001406769.1, NM_001406772.1); c.2710C>T, p.Arg904Ter (NM_001406771.1, NM_001406773.1); and 10 more; short protein forms R1050*, R796*, R1005*, R711*, R808*, R904*, R918*, R655*.
Identifiers: ClinVar variation 995823 (VCV000995823.11), dbSNP rs767479170, ClinGen allele CA376558488.
Genomic context (GRCh38, chr10:43,126,683, plus strand): 5'-GACGACGGCCTCTCAGAGGAGGAGACACCGCTGGTGGACTGTAATAATGCCCCCCTCCCT[C>T]GAGCCCTCCCTTCCACATGGATTGAAAACAAACTCTATGGTAGAATTTCCCATGCATTTA-3'

ClinVar aggregate classification (germline): Conflicting classifications of pathogenicity. Review status: criteria provided, conflicting classifications (1 of 4 stars). 5 submissions from 5 submitters: Pathogenic (1); Likely pathogenic (2); Uncertain significance (1). 1 of the submissions does not count toward it. Last evaluated 2025-11-02.

Conditions:
Appendicitis. Identifiers: MedGen C0003615, MeSH D001064, MONDO:0005649, HP:6000143.
Hereditary cancer-predisposing syndrome. Also called: Neoplastic Syndromes, Hereditary; Hereditary Cancer Syndrome; Tumor predisposition; Hereditary neoplastic syndrome. Identifiers: Orphanet 140162, MedGen C0027672, MeSH D009386, MONDO:0015356.
Multiple endocrine neoplasia, type 2 (MEN2). Identifiers: Orphanet 653, MedGen C4048306, MONDO:0019003. Disease mechanism: gain of function.

gnomAD v4.1: 1 of 1,614,098 alleles (0.000062%); highest among the groups gnomAD compares: South Asian, 0.0011%; no homozygotes.

Submissions (5):

Labcorp Genetics (formerly Invitae), Labcorp
Classification: Uncertain significance for Multiple endocrine neoplasia, type 2. Last evaluated: 2025-11-02. Review status: criteria provided, single submitter. Criteria: Invitae Variant Classification Sherloc (09022015). Collection method: clinical testing. Allele origin: germline.
Comment: This sequence change creates a premature translational stop signal (p.Arg1050*) in the RET gene. While this is not anticipated to result in nonsense mediated decay, it is expected to disrupt the last 65 amino acid(s) of the RET protein. This variant is not present in population databases (gnomAD no frequency). This premature translational stop signal has been observed in individual(s) with Hirschsprung disease, appendicitis, ventricular septal defect, kidney anomalies as well as healthy parents (PMID: 22174939, 29194579, 29261189, 34981673, 36307859). ClinVar contains an entry for this variant (Variation ID: 995823). Experimental studies and prediction algorithms are not available or were not evaluated, and the functional significance of this variant is currently unknown. Algorithms developed to predict the effect of sequence changes on RNA splicing suggest that this variant may disrupt the consensus splice site. In summary, the available evidence is currently insufficient to determine the role of this variant in disease. Therefore, it has been classified as a Variant of Uncertain Significance.

GeneDx
Classification: Pathogenic. Last evaluated: 2024-07-15. Review status: criteria provided, single submitter. Criteria: GeneDx Variant Classification Process June 2021. Collection method: clinical testing. Allele origin: germline. Affected: yes.
Comment: Identified in several individuals with Hirschsprung disease in published literature (PMID: 22174939, 29261189, 30217742); Identified in fetal cases with congenital anomalies of the kidney and urinary tract (PMID: 29194579, 36307859); Nonsense variant predicted to result in protein truncation, as the last 65 amino acids are lost, and other loss-of-function variants have been reported downstream in HGMD; Not observed at significant frequency in large population cohorts (gnomAD); This variant is associated with the following publications: (PMID: 23400839, 22174939, 14633923, 34981673, 29194579, 36307859, 29261189, 30217742)

Ambry Genetics
Classification: Likely pathogenic for Hereditary cancer-predisposing syndrome. Last evaluated: 2024-02-28. Review status: criteria provided, single submitter. Criteria: Ambry Variant Classification Scheme 2023. Collection method: clinical testing. Allele origin: germline.
Comment: The p.R1050* variant (also known as c.3148C>T), located in coding exon 19 of the RET gene, results from a C to T substitution at nucleotide position 3148. This changes the amino acid from an arginine to a stop codon within coding exon 19. This alteration occurs at the 3' terminus of theRET gene, is not expected to trigger nonsense-mediated mRNA decay, and impacts the last 65 amino acids of the protein. However, premature stop codons are typically deleterious in nature and a significant portion of the protein is affected and the impacted region is critical for protein function (Ambry internal data). This alteration has been reported in multiple patients with Hirschsprung disease (So MT et al. PLoS One, 2011 Dec;6:e28986; Gui H et al. Hum Genet, 2013 May;132:591-600; Jiang Q et al. Genet Med, 2018 Jul;20:770-777; Tang CS et al. Gastroenterology, 2018 Dec;155:1908-1922.e5). This variant is considered to be rare based on population cohorts in the Genome Aggregation Database (gnomAD). Based on the supporting evidence, this alteration is likely pathogenic for Hirschsprung disease; however, the association of this alteration with MEN2 is unknown.

Genetic Services Laboratory, University of Chicago
Classification: Likely pathogenic. Last evaluated: 2020-02-17. Review status: criteria provided, single submitter. Criteria: ACMG Guidelines, 2015. Collection method: clinical testing. Allele origin: germline. Affected: yes.
Comment: DNA sequence analysis of the RET gene demonstrated a sequence change, c.3148C>T, which results in the creation of a premature stop codon at amino acid position 1050, p.Arg1050*. This likely pathogenic sequence change is predicted to result in an abnormal transcript, which may be degraded, or may lead to the production of a truncated RET protein with potentially abnormal function. This sequence change has not been described in population databases (gnomAD, ExAC). The p.Arg1050* change has been reported in an individual with Hirschsprung disease (PMID: 22174939) and in a terminated fetus with bilateral multicystic dysplastic kidneys and anhydramnios (PMID: 29194579). This sequence change was identified to have been inherited from the fetus's healthy father who was reported to have no kidney anomalies, no symptoms of Hirschsprung disease or multiple endocrine neoplasia type 2, and no relevant family history. Other truncating variants in the region have been described in individuals with Hirschsprung disease.

Klinik und Poliklinik für Kinderchirurgie, Technische Universität Dresden, Universitätsklinikum Carl Gustav Carus
Classification: Uncertain significance for Appendicitis. Last evaluated: 2020-12-17. Review status: no assertion criteria provided. Collection method: case-control. Allele origin: maternal. Inheritance: Autosomal dominant inheritance. Affected: yes. Observed: 1 variant allele, 1 heterozygote. Not counted in ClinVar's aggregate classification.

Literature cited by the submitters: PubMed 22174939 (cited by Labcorp Genetics (formerly Invitae), Labcorp and Ambry Genetics); PubMed 29194579 (cited by Labcorp Genetics (formerly Invitae), Labcorp); PubMed 29261189 (cited by Labcorp Genetics (formerly Invitae), Labcorp and Ambry Genetics); PubMed 34981673 (cited by Labcorp Genetics (formerly Invitae), Labcorp); PubMed 36307859 (cited by Labcorp Genetics (formerly Invitae), Labcorp); PubMed 23400839 (cited by Ambry Genetics); PubMed 30217742 (cited by Ambry Genetics).